The following is an entry in ClinVar:

ClinVar aggregate classification (germline): Uncertain significance (1 of 4 stars; one submission).

gnomAD v4.1: 1 of 1,613,790 alleles (0.000062%); highest among the groups gnomAD compares: Non-Finnish European, 0.000085%; no homozygotes.

Submission:

Women's Health and Genetics/Laboratory Corporation of America, LabCorp
Classification: Uncertain significance. Last evaluated: 2026-04-02. Review status: criteria provided, single submitter. Criteria: LabCorp Variant Classification Summary - May 2015. Collection method: clinical testing. Allele origin: germline.
Comment: Variant summary: TTN NM_133378 c.90268C>G (p.Arg30090Gly), also known as NM_001267550 c.97972C>G (p.Arg32658Gly), results in a non-conservative amino acid change located in the the A-band region of the encoded protein sequence. Algorithms developed to predict the effect of missense changes on protein structure and function are either unavailable or do not agree on the potential impact of this missense change. The variant was absent in 248954 control chromosomes. The available data on variant occurrences in the general population are insufficient to allow any conclusion about variant significance. To our knowledge, no occurrence of c.90268C>G in individuals affected with TTN-related conditions and no experimental evidence demonstrating its impact on protein function have been reported. No submitters have cited clinical-significance assessments for this variant to ClinVar. Based on the evidence outlined above, the variant was classified as uncertain significance.

NM_001267550.2(TTN):c.97972C>G (p.Arg32658Gly)

Genes: TTN (titin; minus strand), TTN-AS1 (TTN antisense RNA 1; plus strand). Cytogenetic location: 2q31.2.
Variant type: single nucleotide variant.
Coding change: c.97972C>G on transcript NM_001267550.2 (MANE Select); coding-DNA position 97972, C replaced by G.
Protein change: p.Arg32658Gly; replaces arginine 32658 with glycine.
Molecular consequence: missense variant.
Genome position (GRCh38, 1-based): chr2:178,540,194, G>C on the plus strand (C>G on the coding strand, the complement: TTN is on the minus strand). VCF-style: chr2-178540194-G-C. GRCh37 (hg19) VCF-style: chr2-179404921-G-C.
Other names: c.93049C>G, p.Arg31017Gly (NM_001256850.1); c.70777C>G, p.Arg23593Gly (NM_003319.4); c.90268C>G, p.Arg30090Gly (NM_133378.4); c.71152C>G, p.Arg23718Gly (NM_133432.3); c.71353C>G, p.Arg23785Gly (NM_133437.4); short protein forms R23593G, R23718G, R23785G, R30090G, R31017G, R32658G.
Identifiers: ClinVar variation 4848962 (VCV004848962.1).